The following is an entry in ClinVar:

ClinVar aggregate classification (germline): Pathogenic. Review status: criteria provided, multiple submitters, no conflicts (2 of 4 stars). 3 submissions from 3 submitters: Pathogenic (2). 1 of the submissions does not count toward it. Last evaluated 2020-02-29.

Conditions:
Telangiectasia, hereditary hemorrhagic, type 2 (HHT2). Also called: ACVRL1-Related Hereditary Hemorrhagic Telangiectasia; Telangiectasia, hereditary hemorrhagic, type II. Identifiers: Orphanet 774, MedGen C1838163, MONDO:0010880, OMIM 600376. Disease mechanism: loss of function.
Pulmonary hypertension, primary, 1 (PPH1). Also called: Pulmonary hypertension, familial primary, 1, with or without HHT. Identifiers: Orphanet 422, MedGen C4552070, MONDO:0024533, OMIM 178600.

Submissions (3):

Labcorp Genetics (formerly Invitae), Labcorp
Classification: Pathogenic for Telangiectasia, hereditary hemorrhagic, type 2. Last evaluated: 2020-02-29. Review status: criteria provided, single submitter. Criteria: Invitae Variant Classification Sherloc (09022015). Collection method: clinical testing. Allele origin: germline.
Comment: For these reasons, this variant has been classified as Pathogenic. This variant has been reported to affect ACVRL1 protein function (PMID: 27316748). This variant has been observed in individual(s) with pulmonary arterial hypertension or hereditary hemorrhagic telangiectasia (PMID: 26387786, 27316748, Invitae). ClinVar contains an entry for this variant (Variation ID: 426022). This variant is not present in population databases (ExAC no frequency). This sequence change replaces glycine with arginine at codon 319 of the ACVRL1 protein (p.Gly319Arg). The glycine residue is highly conserved and there is a moderate physicochemical difference between glycine and arginine.

ARUP Laboratories, Molecular Genetics and Genomics, ARUP Laboratories
Classification: Pathogenic. Last evaluated: 2017-08-29. Review status: criteria provided, single submitter. Criteria: ARUP Molecular Germline Variant Investigation Process. Collection method: clinical testing. Allele origin: germline.
Comment: The ACVRL1 c.955G>C; p.Gly319Arg variant (rs1085307414) has been reported in the literature in individuals with pulmonary arterial hypertension (PAH) and hereditary hemorrhagic telangiectasia (HHT) (Machado 2015, Piao 2016). Functional studies show the variant protein has decreased Smad 1/5 phosphorylation, and reduced activity in a luciferase reporter assay (Piao 2016). Additionally, a different variant at this codon (p.Gly319Asp) has been reported in two individuals with HHT (Lesca 2006). The p.Gly319Arg variant is listed in the ClinVar database (Variation ID: 426022), but is absent from general population databases (Exome Variant Server, Genome Aggregation Database). The glycine at codon 319 is a highly conserved residue in the protein kinase domain, and computational algorithms (SIFT, PolyPhen2, MutationTaster) predict this variant to be damaging to the protein. Taken together, the p.Gly319Arg variant is considered pathogenic. REFERENCES Lesca G et al. Distribution of ENG and ACVRL1 (ALK1) mutations in French HHT patients. Hum Mutat. 2006 Jun;27(6):598. Machado RD et al. Pulmonary Arterial Hypertension: A Current Perspective on Established and Emerging Molecular Genetic Defects. Hum Mutat. 2015 Dec;36(12):1113-27. Piao C et al. Identification of multiple ACVRL1 mutations in patients with pulmonary arterial hypertension by targeted exome capture. Clin Sci (Lond). 2016 Sep 1;130(17):1559-69.

Rare Disease Genomics Group, St George's University of London
Classification: Pathogenic for Primary pulmonary hypertension. Review status: no assertion criteria provided. Collection method: literature only. Allele origin: germline. Affected: yes. Not counted in ClinVar's aggregate classification.

Literature cited by the submitters: PubMed 27316748 (cited by Labcorp Genetics (formerly Invitae), Labcorp); PubMed 26387786 (cited by Labcorp Genetics (formerly Invitae), Labcorp and Rare Disease Genomics Group, St George's University of London).

NM_000020.3(ACVRL1):c.955G>C (p.Gly319Arg)

Gene: ACVRL1 (activin A receptor like type 1; plus strand). Cytogenetic location: 12q13.13.
Variant type: single nucleotide variant.
Coding change: c.955G>C on transcript NM_000020.3 (MANE Select); coding-DNA position 955, G replaced by C.
Protein change: p.Gly319Arg; replaces glycine 319 with arginine.
Molecular consequence: missense variant.
Genome position (GRCh38, 1-based): chr12:51,915,407, G>C. VCF-style: chr12-51915407-G-C. GRCh37 (hg19) VCF-style: chr12-52309191-G-C.
Other names: c.955G>C, p.Gly319Arg (NM_001077401.2); short protein forms G319R.
Identifiers: ClinVar variation 426022 (VCV000426022.17), dbSNP rs1085307414, ClinGen allele CA384901287.
Genomic context (GRCh38, chr12:51,915,407, plus strand): 5'-GCTCTGAGGCTAGCTGTGTCCGCGGCATGCGGCCTGGCGCACCTGCACGTGGAGATCTTC[G>C]GTACACAGGGCAAACCAGCCATTGCCCACCGCGACTTCAAGAGCCGCAATGTGCTGGTCA-3'
Protein context (NP_000011.2, residues 309-329): GLAHLHVEIF[Gly319Arg]TQGKPAIAHR